The following is an entry in ClinVar:

ClinVar aggregate classification (germline): Uncertain significance (1 of 4 stars; one submission).

Conditions:
Vici syndrome (VICIS). Identifiers: Orphanet 1493, MedGen C1855772, MONDO:0009452, OMIM 242840.

Submission:

Labcorp Genetics (formerly Invitae), Labcorp
Classification: Uncertain significance for Vici syndrome. Last evaluated: 2020-03-18. Review status: criteria provided, single submitter. Criteria: Invitae Variant Classification Sherloc (09022015). Collection method: clinical testing. Allele origin: germline.
Comment: In summary, the available evidence is currently insufficient to determine the role of this variant in disease. Therefore, it has been classified as a Variant of Uncertain Significance. This sequence change falls in intron 21 of the EPG5 gene. It does not directly change the encoded amino acid sequence of the EPG5 protein, but it affects a nucleotide within the consensus splice site of the intron. This variant is not present in population databases (ExAC no frequency). This variant has not been reported in the literature in individuals with EPG5-related conditions. Nucleotide substitutions within the consensus splice site are a relatively common cause of aberrant splicing (PMID: 17576681, 9536098). Algorithms developed to predict the effect of sequence changes on RNA splicing suggest that this variant is not likely to affect RNA splicing, but this prediction has not been confirmed by published transcriptional studies.

Literature cited by the submitters: PubMed 17576681; PubMed 9536098.

NM_020964.3(EPG5):c.3816+4_3816+5dup

Gene: EPG5 (ectopic P-granules 5 autophagy tethering factor; minus strand). Cytogenetic location: 18q21.1.
Variant type: Duplication.
Coding change: c.3816+4_3816+5dup on transcript NM_020964.3 (MANE Select); bases 4 to 5 of the intron after coding-DNA position 3816, 2 bases duplicated (CA; older notation c.3816+4_3816+5dupCA).
Molecular consequence: intron variant.
Genome position (GRCh38, 1-based): chr18:45,913,701-45,913,702, TG duplicated on the plus strand (CA on the coding strand, the reverse complement: EPG5 is on the minus strand); duplicating any 2 consecutive bases within chr18:45,913,701-45,913,703 gives the same sequence; the c. name uses the placement nearest the transcript's 3' end. VCF-style (leftmost placement, unchanged base first): chr18-45913700-T-TTG. GRCh37 (hg19) VCF-style: chr18-43493665-T-TTG.
Identifiers: ClinVar variation 1007397 (VCV001007397.7), dbSNP rs2049964277, ClinGen allele CA2300592340.